The following is an entry in ClinVar:

NM_001035.3(RYR2):c.1082G>A (p.Cys361Tyr)

Gene: RYR2 (ryanodine receptor 2; plus strand). Cytogenetic location: 1q43.
Variant type: single nucleotide variant.
Coding change: c.1082G>A on transcript NM_001035.3 (MANE Select); coding-DNA position 1082, G replaced by A.
Protein change: p.Cys361Tyr; replaces cysteine 361 with tyrosine.
Molecular consequence: missense variant.
Genome position (GRCh38, 1-based): chr1:237,441,395, G>A. VCF-style: chr1-237441395-G-A. GRCh37 (hg19) VCF-style: chr1-237604695-G-A.
Other names: c.1082G>A, p.Cys361Tyr (LRG_402t1); short protein forms C361Y.
Identifiers: ClinVar variation 201208 (VCV000201208.51), dbSNP rs794728719, ClinGen allele CA006786.

ClinVar aggregate classification (germline): Uncertain significance. Review status: criteria provided, multiple submitters, no conflicts (2 of 4 stars). 2 submissions from 2 submitters: Uncertain significance (2). Last evaluated 2020-01-18.

Conditions:
Catecholaminergic polymorphic ventricular tachycardia 1. Also called: VENTRICULAR TACHYCARDIA, STRESS-INDUCED POLYMORPHIC 1; RYR2-Related Catecholaminergic Polymorphic Ventricular Tachycardia; VENTRICULAR TACHYCARDIA, CATECHOLAMINERGIC POLYMORPHIC, 1, WITH OR WITHOUT ATRIAL DYSFUNCTION AND/OR DILATED CARDIOMYOPATHY. Identifiers: Orphanet 3286, MedGen C1631597, MONDO:0011484, OMIM 604772.

Submissions (2):

Labcorp Genetics (formerly Invitae), Labcorp
Classification: Uncertain significance for Catecholaminergic polymorphic ventricular tachycardia 1. Last evaluated: 2020-01-18. Review status: criteria provided, single submitter. Criteria: Invitae Variant Classification Sherloc (09022015). Collection method: clinical testing. Allele origin: germline.
Comment: In summary, the available evidence is currently insufficient to determine the role of this variant in disease. Therefore, it has been classified as a Variant of Uncertain Significance. Algorithms developed to predict the effect of missense changes on protein structure and function (SIFT, PolyPhen-2, Align-GVGD) all suggest that this variant is likely to be disruptive, but these predictions have not been confirmed by published functional studies and their clinical significance is uncertain. This variant has been observed in individual(s) with clinical features of catecholaminergic polymorphic ventricular tachycardia (Invitae). ClinVar contains an entry for this variant (Variation ID: 201208). This variant is not present in population databases (ExAC no frequency). This sequence change replaces cysteine with tyrosine at codon 361 of the RYR2 protein (p.Cys361Tyr). The cysteine residue is highly conserved and there is a large physicochemical difference between cysteine and tyrosine.

Stanford Center for Inherited Cardiovascular Disease, Stanford University
Classification: Uncertain significance. Last evaluated: 2015-02-02. Review status: criteria provided, single submitter. Criteria: ACMG Guidelines, 2015. Collection method: provider interpretation. Allele origin: germline.